The following is an entry in ClinVar:

ClinVar aggregate classification (germline): Likely benign. Review status: criteria provided, multiple submitters, no conflicts (2 of 4 stars). 2 submissions from 2 submitters: Likely benign (2). Last evaluated 2026-01-26.

Conditions:
Dilated cardiomyopathy 1CC (CMD1CC). Identifiers: Orphanet 154, MedGen C2751084, MONDO:0013147, OMIM 613122.
Hypertrophic cardiomyopathy 20. Identifiers: MedGen C3151267, MONDO:0013477, OMIM 613876.

Allele frequency attached by ClinVar (database versions not stated): gnomAD exomes below 0.00001; gnomAD 0.00001; TOPMed 0.00002.
gnomAD v4.1: 3 of 1,613,542 alleles (0.00019%); highest among the groups gnomAD compares: African/African-American, 0.004%; no homozygotes.

Submissions (2):

Labcorp Genetics (formerly Invitae), Labcorp
Classification: Likely benign for Dilated cardiomyopathy 1CC; Hypertrophic cardiomyopathy 20. Last evaluated: 2026-01-26. Review status: criteria provided, single submitter. Criteria: Invitae Variant Classification Sherloc (09022015). Collection method: clinical testing. Allele origin: germline.

GeneDx
Classification: Likely benign. Last evaluated: 2016-08-10. Review status: criteria provided, single submitter. Criteria: GeneDx Variant Classification (06012015). Collection method: clinical testing. Allele origin: germline. Affected: yes.
Comment: This variant is considered likely benign or benign based on one or more of the following criteria: it is a conservative change, it occurs at a poorly conserved position in the protein, it is predicted to be benign by multiple in silico algorithms, and/or has population frequency not consistent with disease.

NM_144573.4(NEXN):c.299-14T>C

Genes: NEXN (nexilin F-actin binding protein; plus strand), LOC126805765 (BRD4-independent group 4 enhancer GRCh37_chr1:78383688-78384887; plus strand). Cytogenetic location: 1p31.1.
Variant type: single nucleotide variant.
Coding change: c.299-14T>C on transcript NM_144573.4 (MANE Select); 14 bases into the intron before coding-DNA position 299, T replaced by C.
Molecular consequence: intron variant.
Genome position (GRCh38, 1-based): chr1:77,918,111, T>C. VCF-style: chr1-77918111-T-C. GRCh37 (hg19) VCF-style: chr1-78383796-T-C.
Other names: c.107-14T>C (NM_001172309.2).
Identifiers: ClinVar variation 388181 (VCV000388181.9), dbSNP rs921990698, ClinGen allele CA16603792.
Genomic context (GRCh38, chr1:77,918,111, plus strand): 5'-AGGGGTAAATAGTAAATTAAATTGCAAAATAGAAACATAACCAAGTATCAAACTTTTTTT[T>C]CATATATTTTTAGGAACTGTGAAGGGTAGATTTGCTGAAATGGAGAAACAAAGACAAGAG-3'